The following is an entry in ClinVar:

ClinVar aggregate classification (germline): Benign/Likely benign. Review status: criteria provided, multiple submitters, no conflicts (2 of 4 stars). 13 submissions from 13 submitters: Benign (7); Likely benign (2). 4 of the submissions do not count toward it. Last evaluated 2026-09-01.

Conditions:
Hemorrhage, intracerebral, susceptibility to (ICH). Also called: Stroke, hemorrhagic, susceptibility to. Identifiers: MedGen C3281105, MONDO:0100533, OMIM 614519.
Brain small vessel disease 2A, autosomal dominant. Also called: Porencephaly 2. Identifiers: Orphanet 2940, Orphanet 99810, MedGen C3280970, MONDO:0013773, OMIM 614483.

Allele frequency attached by ClinVar (database versions not stated): TOPMed 0.00725; gnomAD exomes 0.00910 and 0.01214; 1000 Genomes Project 0.00579; ESP Exome Variant Server 0.00978; gnomAD 0.01005 and 0.00988; ExAC 0.01730; 1000 Genomes Project 30x 0.00578.
gnomAD v4.1: 18,951 of 1,599,498 alleles (1.2%); highest among the groups gnomAD compares: Non-Finnish European, 1.3%; 156 homozygotes.

Submissions (13):

CeGaT Center for Human Genetics Tuebingen
Classification: Benign. Last evaluated: 2026-09-01. Review status: criteria provided, single submitter. Criteria: CeGaT Center For Human Genetics Tuebingen Variant Classification Criteria Version 2. Collection method: clinical testing. Allele origin: germline. Affected: yes. Observed: 33 variant alleles.
Comment: COL4A2: BS1, BS2

Labcorp Genetics (formerly Invitae), Labcorp
Classification: Benign. Last evaluated: 2026-02-02. Review status: criteria provided, single submitter. Criteria: Invitae Variant Classification Sherloc (09022015). Collection method: clinical testing. Allele origin: germline.

Dasa
Classification: Benign. Last evaluated: 2025-10-31. Review status: criteria provided, single submitter. Criteria: DASA Assertion Criteria. Collection method: clinical testing. Allele origin: germline.
Comment: NM_001846.4(COL4A2):c.3368A>G (p.Glu1123Gly) is a missense variant that results in the substitution of glutamic acid with glycine. Population frequency is inconsistent with a disease-causing role for this variant, and observations in unaffected individuals support a benign interpretation. Therefore, based on the currently available evidence, this variant is classified as benign.

Mayo Clinic Laboratories, Mayo Clinic
Classification: Benign. Last evaluated: 2023-03-24. Review status: criteria provided, single submitter. Criteria: ACMG Guidelines, 2015. Collection method: clinical testing. Allele origin: germline. Observed: 5 variant alleles.
Comment: BS1, BS2

Mendelics
Classification: Benign for Brain small vessel disease 2A, autosomal dominant. Last evaluated: 2019-05-28. Review status: criteria provided, single submitter. Criteria: Mendelics Assertion Criteria 2017. Collection method: clinical testing. Allele origin: unknown.

GeneDx
Classification: Benign. Last evaluated: 2018-09-28. Review status: criteria provided, single submitter. Criteria: GeneDx Variant Classification Process June 2021. Collection method: clinical testing. Allele origin: germline. Affected: yes.
Comment: This variant is associated with the following publications: (PMID: 32172663, 22209247, 25719457, 24390199)

Illumina Laboratory Services, Illumina
Classification: Benign for Brain small vessel disease 2A, autosomal dominant. Last evaluated: 2018-03-06. Review status: criteria provided, single submitter. Criteria: ICSL Variant Classification Criteria 13 December 2019. Collection method: clinical testing. Allele origin: germline.
Comment: This variant was observed in the ICSL laboratory as part of a predisposition screen in an ostensibly healthy population. It had not been previously curated by ICSL or reported in the Human Gene Mutation Database (HGMD: prior to June 1st, 2018), and was therefore a candidate for classification through an automated scoring system. Utilizing variant allele frequency, disease prevalence and penetrance estimates, and inheritance mode, an automated score was calculated to assess if this variant is too frequent to cause the disease. Based on the score and internal cut-off values, a variant classified as benign is not then subjected to further curation. The score for this variant resulted in a classification of benign for this disease.

Center for Pediatric Genomic Medicine, Children's Mercy Hospital and Clinics
Classification: Likely benign. Last evaluated: 2017-01-09. Review status: criteria provided, single submitter. Criteria: ACMG Guidelines, 2015. Collection method: clinical testing. Allele origin: germline.
ClinVar note: Converted during submission from Likely Benign to Likely benign.

Breakthrough Genomics
Classification: Likely benign. Review status: criteria provided, single submitter. Criteria: ACMG Guidelines, 2015. Collection method: not provided. Allele origin: germline. Inheritance: Autosomal dominant inheritance. Affected: yes.

OMIM
Classification: risk factor for HEMORRHAGE, INTRACEREBRAL, SUSCEPTIBILITY TO. Last evaluated: 2012-01-13. Review status: no assertion criteria provided. Collection method: literature only. Allele origin: germline. Not counted in ClinVar's aggregate classification.

Clinical Genetics DNA and cytogenetics Diagnostics Lab, Erasmus MC, Erasmus Medical Center
Classification: Benign. Review status: no assertion criteria provided. Collection method: clinical testing. Allele origin: germline. Affected: yes. Study: VKGL Data-share Consensus. Not counted in ClinVar's aggregate classification.

Genome Diagnostics Laboratory, University Medical Center Utrecht
Classification: Likely benign. Review status: no assertion criteria provided. Collection method: clinical testing. Allele origin: germline. Affected: yes. Study: VKGL Data-share Consensus. Not counted in ClinVar's aggregate classification.

Laboratory of Diagnostic Genome Analysis, Leiden University Medical Center (LUMC)
Classification: Likely benign. Review status: no assertion criteria provided. Collection method: clinical testing. Allele origin: germline. Affected: yes. Study: VKGL Data-share Consensus. Not counted in ClinVar's aggregate classification.

Literature cited by the submitters: PubMed 17216253 (cited by Mayo Clinic Laboratories, Mayo Clinic); PubMed 22209247 (cited by Mayo Clinic Laboratories, Mayo Clinic and OMIM); PubMed 25653287 (cited by Mayo Clinic Laboratories, Mayo Clinic); PubMed 25719457 (cited by Mayo Clinic Laboratories, Mayo Clinic); PubMed 27794444 (cited by Mayo Clinic Laboratories, Mayo Clinic); PubMed 32172663 (cited by Mayo Clinic Laboratories, Mayo Clinic); PubMed 34031201 (cited by Mayo Clinic Laboratories, Mayo Clinic).

NM_001846.4(COL4A2):c.3368A>G (p.Glu1123Gly)

Gene: COL4A2 (collagen type IV alpha 2 chain; plus strand). Cytogenetic location: 13q34.
Variant type: single nucleotide variant.
Coding change: c.3368A>G on transcript NM_001846.4 (MANE Select); coding-DNA position 3368, A replaced by G.
Protein change: p.Glu1123Gly; replaces glutamic acid 1123 with glycine.
Molecular consequence: missense variant.
Genome position (GRCh38, 1-based): chr13:110,491,254, A>G. VCF-style: chr13-110491254-A-G. GRCh37 (hg19) VCF-style: chr13-111143601-A-G.
Other names: short protein forms E1123G.
Identifiers: ClinVar variation 29629 (VCV000029629.53), dbSNP rs117412802, ClinGen allele CA128513.